The following is an entry in ClinVar:

ClinVar aggregate classification (germline): Uncertain significance. Review status: criteria provided, multiple submitters, no conflicts (2 of 4 stars). 3 submissions from 3 submitters: Uncertain significance (3). Last evaluated 2025-10-26.

Conditions:
Hereditary spherocytosis type 1. Also called: Spherocytosis type 1; ANK1-Related Spherocytosis. Identifiers: Orphanet 822, MedGen C2674218, MONDO:0008447, OMIM 182900.

Allele frequency attached by ClinVar (database versions not stated): gnomAD exomes below 0.00001.
gnomAD v4.1: 1 of 1,614,090 alleles (0.000062%); highest among the groups gnomAD compares: Non-Finnish European, 0.000085%; no homozygotes.

Submissions (3):

Labcorp Genetics (formerly Invitae), Labcorp
Classification: Uncertain significance. Last evaluated: 2025-10-26. Review status: criteria provided, single submitter. Criteria: Invitae Variant Classification Sherloc (09022015). Collection method: clinical testing. Allele origin: germline.
Comment: This sequence change replaces arginine, which is basic and polar, with lysine, which is basic and polar, at codon 1699 of the ANK1 protein (p.Arg1699Lys). This variant also falls at the last nucleotide of exon 38, which is part of the consensus splice site for this exon. This variant is not present in population databases (gnomAD no frequency). This variant has not been reported in the literature in individuals affected with ANK1-related conditions. ClinVar contains an entry for this variant (Variation ID: 2688549). An algorithm developed to predict the effect of missense changes on protein structure and function (PolyPhen-2) suggests that this variant is likely to be disruptive. Variants that disrupt the consensus splice site are a relatively common cause of aberrant splicing (PMID: 17576681, 9536098). Algorithms developed to predict the effect of sequence changes on RNA splicing suggest that this variant may disrupt the consensus splice site. In summary, the available evidence is currently insufficient to determine the role of this variant in disease. Therefore, it has been classified as a Variant of Uncertain Significance.

Mayo Clinic Laboratories, Mayo Clinic
Classification: Uncertain significance. Last evaluated: 2025-09-10. Review status: criteria provided, single submitter. Criteria: ACMG Guidelines, 2015. Collection method: clinical testing. Allele origin: germline. Observed: 1 variant allele.
Comment: PM2_supporting

Revvity Omics, Revvity
Classification: Uncertain significance for Hereditary spherocytosis type 1. Last evaluated: 2024-06-10. Review status: criteria provided, single submitter. Criteria: ACMG Guidelines, 2015. Collection method: clinical testing. Allele origin: germline.

Literature cited by the submitters: PubMed 17576681 (cited by Labcorp Genetics (formerly Invitae), Labcorp); PubMed 9536098 (cited by Labcorp Genetics (formerly Invitae), Labcorp).

NM_000037.4(ANK1):c.5096G>A (p.Arg1699Lys)

Gene: ANK1 (ankyrin 1; minus strand). Cytogenetic location: 8p11.21.
Variant type: single nucleotide variant.
Coding change: c.5096G>A on transcript NM_000037.4 (MANE Select); coding-DNA position 5096, G replaced by A.
Protein change: p.Arg1699Lys; replaces arginine 1699 with lysine.
Molecular consequence: missense variant.
Genome position (GRCh38, 1-based): chr8:41,672,354, C>T on the plus strand (G>A on the coding strand, the complement: ANK1 is on the minus strand). VCF-style: chr8-41672354-C-T. GRCh37 (hg19) VCF-style: chr8-41529872-C-T.
Other names: p.?; c.5219G>A, p.Arg1740Lys (NM_001142446.2); c.5096G>A, p.Arg1699Lys (NM_020475.3, NM_020476.3); c.4610G>A, p.Arg1537Lys (NM_020477.3); short protein forms R1537K, R1699K, R1740K.
Identifiers: ClinVar variation 2688549 (VCV002688549.6), dbSNP rs1475325112, ClinGen allele CA371053296.